The following is an entry in ClinVar:

ClinVar aggregate classification (germline): Uncertain significance (1 of 4 stars; one submission).

Conditions:
Hereditary cancer-predisposing syndrome. Also called: Neoplastic Syndromes, Hereditary; Tumor predisposition; Hereditary neoplastic syndrome; Hereditary Cancer Syndrome. Identifiers: Orphanet 140162, MedGen C0027672, MeSH D009386, MONDO:0015356.
Cardiovascular phenotype. Identifiers: MedGen CN230736.

Submission:

Ambry Genetics
Classification: Uncertain significance for Cardiovascular phenotype; Hereditary cancer-predisposing syndrome. Last evaluated: 2024-02-16. Review status: criteria provided, single submitter. Criteria: Ambry Variant Classification Scheme 2023. Collection method: clinical testing. Allele origin: germline.
Comment: The p.A246P variant (also known as c.736G>C), located in coding exon 8 of the NF1 gene, results from a G to C substitution at nucleotide position 736. The alanine at codon 246 is replaced by proline, an amino acid with highly similar properties. This amino acid position is highly conserved in available vertebrate species. In addition, this alteration is predicted to be deleterious by in silico analysis. Based on the available evidence, the clinical significance of this alteration remains unclear.

NM_001042492.3(NF1):c.736G>C (p.Ala246Pro)

Gene: NF1 (neurofibromin 1; plus strand). Cytogenetic location: 17q11.2.
Variant type: single nucleotide variant.
Coding change: c.736G>C on transcript NM_001042492.3 (MANE Select); coding-DNA position 736, G replaced by C.
Protein change: p.Ala246Pro; replaces alanine 246 with proline.
Molecular consequence: missense variant.
Genome position (GRCh38, 1-based): chr17:31,182,513, G>C. VCF-style: chr17-31182513-G-C. GRCh37 (hg19) VCF-style: chr17-29509531-G-C.
Other names: c.736G>C, p.Ala246Pro (NM_000267.4, NM_001128147.3); short protein forms A246P.
Identifiers: ClinVar variation 3237937 (VCV003237937.1), dbSNP rs1597659751.
Genomic context (GRCh38, chr17:31,182,513, plus strand): 5'-ATGCCAGGGATTTTGTTCCTATCTAATAATGTCATTTAATATATTTTTCATGCAGAATGT[G>C]CAGAAAAGCTATTTGACTTGGTGGATGGTTTTGCTGAAAGCACCAAACGTAAAGCAGCAG-3'
Protein context (NP_001035957.1, residues 236-256): QIPQTDMAEC[Ala246Pro]EKLFDLVDGF